The following is an entry in ClinVar:

ClinVar aggregate classification (germline): Pathogenic (1 of 4 stars; one submission).

Conditions:
Retinoblastoma (RB1). Also called: RETINOBLASTOMA, SOMATIC. Identifiers: Orphanet 790, MedGen C0035335, MeSH D012175, MONDO:0008380, OMIM 180200, HP:0009919. Disease mechanism: loss of function. Inheritance: Both sporadic and heritable forms are tested..

Submission:

Labcorp Genetics (formerly Invitae), Labcorp
Classification: Pathogenic for Retinoblastoma. Last evaluated: 2023-11-02. Review status: criteria provided, single submitter. Criteria: Invitae Variant Classification Sherloc (09022015). Collection method: clinical testing. Allele origin: germline.
Comment: This sequence change creates a premature translational stop signal (p.Lys8Asnfs*10) in the RB1 gene. It is expected to result in an absent or disrupted protein product. Loss-of-function variants in RB1 are known to be pathogenic (PMID: 17096365). This variant is not present in population databases (gnomAD no frequency). This variant has not been reported in the literature in individuals affected with RB1-related conditions. For these reasons, this variant has been classified as Pathogenic.

Literature cited by the submitters: PubMed 17096365.

NM_000321.3(RB1):c.24_61del (p.Lys8fs)

Gene: RB1 (RB transcriptional corepressor 1; plus strand). Cytogenetic location: 13q14.2.
Variant type: Deletion.
Coding change: c.24_61del on transcript NM_000321.3 (MANE Select); coding-DNA positions 24 to 61, 38 bases deleted.
Protein change: p.Lys8fs; shifts the reading frame from lysine 8.
Molecular consequence: frameshift variant.
Genome position (GRCh38, 1-based): chr13:48,303,936-48,303,973, 38 bases deleted. GRCh37 (hg19): chr13:48,878,072-48,878,109.
Other names: c.24_61del, p.Lys8fs (NM_001407165.1, NM_001407166.1, NM_001407167.1); short protein forms K8fs.
Identifiers: ClinVar variation 2692726 (VCV002692726.3), dbSNP rs2542093276, ClinGen allele CA2697551898.